The following is an entry in ClinVar:

NM_006565.4(CTCF):c.969G>A (p.Lys323=)

Gene: CTCF (CCCTC-binding factor; plus strand). Cytogenetic location: 16q22.1.
Variant type: single nucleotide variant.
Coding change: c.969G>A on transcript NM_006565.4 (MANE Select); coding-DNA position 969, G replaced by A.
Protein change: p.Lys323=; no amino-acid change (lysine 323 retained).
Molecular consequence: synonymous variant. On other transcripts: 5 prime UTR variant (1).
Genome position (GRCh38, 1-based): chr16:67,616,761, G>A. VCF-style: chr16-67616761-G-A. GRCh37 (hg19) VCF-style: chr16-67650664-G-A.
Other names: c.-16G>A (NM_001191022.2); c.969G>A, p.Lys323= (NM_001363916.2).
Identifiers: ClinVar variation 740205 (VCV000740205.47), dbSNP rs777402247, ClinGen allele CA8112603.

ClinVar aggregate classification (germline): Conflicting classifications of pathogenicity. Review status: criteria provided, conflicting classifications (1 of 4 stars). 4 submissions from 4 submitters: Uncertain significance (1); Likely benign (2). 1 of the submissions does not count toward it. Last evaluated 2019-09-01.

Conditions:
CTCF-related disorder. Also called: CTCF-related condition. Identifiers: MedGen CN381101.
Inborn genetic diseases. Identifiers: MedGen C0950123, MeSH D030342.

Allele frequency attached by ClinVar (database versions not stated): gnomAD 0.00004 and 0.00009; gnomAD exomes 0.00008 and 0.00020; TOPMed 0.00008; ExAC 0.00019.
gnomAD v4.1: 136 of 1,614,124 alleles (0.0084%); highest among the groups gnomAD compares: South Asian, 0.094%; no homozygotes.

Submissions (4):

CeGaT Center for Human Genetics Tuebingen
Classification: Uncertain significance. Last evaluated: 2019-09-01. Review status: criteria provided, single submitter. Criteria: CeGaT Center For Human Genetics Tuebingen Variant Classification Criteria Version 2. Collection method: clinical testing. Allele origin: germline. Affected: yes. Observed: 1 variant allele.

Ambry Genetics
Classification: Likely benign for Inborn genetic diseases. Last evaluated: 2018-06-25. Review status: criteria provided, single submitter. Criteria: Ambry Variant Classification Scheme 2023. Collection method: clinical testing. Allele origin: germline.

Labcorp Genetics (formerly Invitae), Labcorp
Classification: Likely benign. Last evaluated: 2018-04-07. Review status: criteria provided, single submitter. Criteria: Invitae Variant Classification Sherloc (09022015). Collection method: clinical testing. Allele origin: germline.

PreventionGenetics, part of Exact Sciences
Classification: Likely benign for CTCF-related condition. Last evaluated: 2021-08-18. Review status: no assertion criteria provided. Collection method: clinical testing. Allele origin: germline. Not counted in ClinVar's aggregate classification.
Comment: This variant is classified as likely benign based on ACMG/AMP sequence variant interpretation guidelines (Richards et al. 2015 PMID: 25741868, with internal and published modifications).